The following is an entry in ClinVar:

NM_006015.6(ARID1A):c.4119G>A (p.Met1373Ile)

Gene: ARID1A (AT-rich interaction domain 1A; plus strand). Cytogenetic location: 1p36.11.
Variant type: single nucleotide variant.
Coding change: c.4119G>A on transcript NM_006015.6 (MANE Select); coding-DNA position 4119, G replaced by A.
Protein change: p.Met1373Ile; replaces methionine 1373 with isoleucine.
Molecular consequence: missense variant. On other transcripts: intron variant (1).
Genome position (GRCh38, 1-based): chr1:26,774,346, G>A. VCF-style: chr1-26774346-G-A. GRCh37 (hg19) VCF-style: chr1-27100837-G-A.
Other names: c.4101+448G>A (NM_139135.4); short protein forms M1373I.
Identifiers: ClinVar variation 3651499 (VCV003651499.2).

ClinVar aggregate classification (germline): Uncertain significance (1 of 4 stars; one submission).

Submission:

Labcorp Genetics (formerly Invitae), Labcorp
Classification: Uncertain significance. Last evaluated: 2025-01-06. Review status: criteria provided, single submitter. Criteria: Invitae Variant Classification Sherloc (09022015). Collection method: clinical testing. Allele origin: germline.
Comment: This sequence change replaces methionine, which is neutral and non-polar, with isoleucine, which is neutral and non-polar, at codon 1373 of the ARID1A protein (p.Met1373Ile). This variant is not present in population databases (gnomAD no frequency). This variant has not been reported in the literature in individuals affected with ARID1A-related conditions. Invitae Evidence Modeling of protein sequence and biophysical properties (such as structural, functional, and spatial information, amino acid conservation, physicochemical variation, residue mobility, and thermodynamic stability) indicates that this missense variant is not expected to disrupt ARID1A protein function with a negative predictive value of 80%. In summary, the available evidence is currently insufficient to determine the role of this variant in disease. Therefore, it has been classified as a Variant of Uncertain Significance.